The following is an entry in ClinVar:

ClinVar aggregate classification (germline): Uncertain significance. Review status: criteria provided, multiple submitters, no conflicts (2 of 4 stars). 7 submissions from 7 submitters: Uncertain significance (5). 2 of the submissions do not count toward it. Last evaluated 2025-12-28.

Conditions:
Hereditary cancer-predisposing syndrome. Also called: Tumor predisposition; Hereditary neoplastic syndrome; Neoplastic Syndromes, Hereditary; Hereditary Cancer Syndrome. Identifiers: Orphanet 140162, MedGen C0027672, MeSH D009386, MONDO:0015356.
Ataxia-telangiectasia syndrome (AT). Also called: ATAXIA-TELANGIECTASIA, COMPLEMENTATION GROUP A; ATAXIA-TELANGIECTASIA, FRESNO VARIANT; Ataxia-telangiectasia; LOUIS-BAR SYNDROME; Cerebello-oculocutaneous telangiectasia; Immunodeficiency with ataxia telangiectasia. Identifiers: Orphanet 100, MedGen C0004135, MONDO:0008840, OMIM 208900.
Familial cancer of breast. Also called: BREAST CANCER, FAMILIAL; Hereditary breast cancer; hereditary breast carcinoma. Identifiers: Orphanet 227535, MedGen C0346153, MONDO:0016419, OMIM 114480. Disease mechanism: loss of function.

Allele frequency attached by ClinVar (database versions not stated): gnomAD exomes below 0.00001; ExAC 0.00001; gnomAD 0.00001.
gnomAD v4.1: 2 of 1,613,812 alleles (0.00012%); highest among the groups gnomAD compares: East Asian, 0.0022%; no homozygotes.

Submissions (7):

Labcorp Genetics (formerly Invitae), Labcorp
Classification: Uncertain significance for Ataxia-telangiectasia syndrome. Last evaluated: 2025-12-28. Review status: criteria provided, single submitter. Criteria: Invitae Variant Classification Sherloc (09022015). Collection method: clinical testing. Allele origin: germline.
Comment: This sequence change replaces valine, which is neutral and non-polar, with phenylalanine, which is neutral and non-polar, at codon 1318 of the ATM protein (p.Val1318Phe). This variant is present in population databases (rs587778074, gnomAD 0.006%). This variant has not been reported in the literature in individuals affected with ATM-related conditions. ClinVar contains an entry for this variant (Variation ID: 133617). Invitae Evidence Modeling of protein sequence and biophysical properties (such as structural, functional, and spatial information, amino acid conservation, physicochemical variation, residue mobility, and thermodynamic stability) has been performed for this missense variant. However, the output from this modeling did not meet the statistical confidence thresholds required to predict the impact of this variant on ATM protein function. In summary, the available evidence is currently insufficient to determine the role of this variant in disease. Therefore, it has been classified as a Variant of Uncertain Significance.

Ambry Genetics
Classification: Uncertain significance for Hereditary cancer-predisposing syndrome. Last evaluated: 2024-06-13. Review status: criteria provided, single submitter. Criteria: Ambry Variant Classification Scheme 2023. Collection method: clinical testing. Allele origin: germline.
Comment: The p.V1318F variant (also known as c.3952G>T), located in coding exon 25 of the ATM gene, results from a G to T substitution at nucleotide position 3952. The valine at codon 1318 is replaced by phenylalanine, an amino acid with highly similar properties. This amino acid position is highly conserved in available vertebrate species. In addition, this alteration is predicted to be deleterious by in silico analysis. Based on the available evidence, the clinical significance of this variant remains unclear.

Women's Health and Genetics/Laboratory Corporation of America, LabCorp
Classification: Uncertain significance. Last evaluated: 2023-11-27. Review status: criteria provided, single submitter. Criteria: LabCorp Variant Classification Summary - May 2015. Collection method: clinical testing. Allele origin: germline.
Comment: Variant summary: ATM c.3952G>T (p.Val1318Phe) results in a non-conservative amino acid change in the encoded protein sequence. Five of five in-silico tools predict a damaging effect of the variant on protein function. The variant allele was found at a frequency of 4e-06 in 251494 control chromosomes (gnomAD and publication data). The available data on variant occurrences in the general population are insufficient to allow any conclusion about variant significance. To our knowledge, no occurrence of c.3952G>T in individuals affected with Breast Cancer and no experimental evidence demonstrating its impact on protein function have been reported. Four submitters have cited clinical-significance assessments for this variant to ClinVar after 2014. All submitters classified the variant as uncertain significance. Based on the evidence outlined above, the variant was classified as uncertain significance.

Baylor Genetics
Classification: Uncertain significance for Familial cancer of breast. Last evaluated: 2023-10-31. Review status: criteria provided, single submitter. Criteria: ACMG Guidelines, 2015. Collection method: clinical testing. Allele origin: unknown.

GeneDx
Classification: Uncertain significance. Last evaluated: 2019-05-14. Review status: criteria provided, single submitter. Criteria: GeneDx Variant Classification Process June 2021. Collection method: clinical testing. Allele origin: germline. Affected: yes.
Comment: Not observed at a significant frequency in large population cohorts (Lek et al., 2016); In silico analysis, which includes protein predictors and evolutionary conservation, supports a deleterious effect; This variant is associated with the following publications: (PMID: 24728327)

Natera, Inc.
Classification: Uncertain significance for Ataxia-telangiectasia. Last evaluated: 2020-02-11. Review status: no assertion criteria provided. Collection method: clinical testing. Allele origin: germline. Not counted in ClinVar's aggregate classification.

ITMI
No classification provided. Condition: AllHighlyPenetrant. Last evaluated: 2013-09-19. Review status: no classification provided. Collection method: reference population. Allele origin: germline. Not counted in ClinVar's aggregate classification.
Comment: Please see associated publication for description of ethnicities

Literature cited by the submitters: PubMed 24728327 (cited by Women's Health and Genetics/Laboratory Corporation of America, LabCorp and ITMI).

NM_000051.4(ATM):c.3952G>T (p.Val1318Phe)

Gene: ATM (ATM serine/threonine kinase; plus strand). Cytogenetic location: 11q22.3.
Variant type: single nucleotide variant.
Coding change: c.3952G>T on transcript NM_000051.4 (MANE Select); coding-DNA position 3952, G replaced by T.
Protein change: p.Val1318Phe; replaces valine 1318 with phenylalanine.
Molecular consequence: missense variant.
Genome position (GRCh38, 1-based): chr11:108,284,432, G>T. VCF-style: chr11-108284432-G-T. GRCh37 (hg19) VCF-style: chr11-108155159-G-T.
Other names: c.3952G>T, p.Val1318Phe (NM_001351834.2); short protein forms V1318F.
Identifiers: ClinVar variation 133617 (VCV000133617.21), dbSNP rs587778074, ClinGen allele CA157110.